The following is an entry in ClinVar:

NM_003051.4(SLC16A1):c.983G>T (p.Arg328Leu)

Gene: SLC16A1 (solute carrier family 16 member 1; minus strand). Cytogenetic location: 1p13.2.
Variant type: single nucleotide variant.
Coding change: c.983G>T on transcript NM_003051.4 (MANE Select); coding-DNA position 983, G replaced by T.
Protein change: p.Arg328Leu; replaces arginine 328 with leucine.
Molecular consequence: missense variant.
Genome position (GRCh38, 1-based): chr1:112,917,423, C>A on the plus strand (G>T on the coding strand, the complement: SLC16A1 is on the minus strand). VCF-style: chr1-112917423-C-A. GRCh37 (hg19) VCF-style: chr1-113460045-C-A.
Other names: c.983G>T, p.Arg328Leu (NM_001166496.2); short protein forms R328L.
Identifiers: ClinVar variation 291860 (VCV000291860.8), dbSNP rs774823539, ClinGen allele CA10607353.

ClinVar aggregate classification (germline): Uncertain significance. Review status: criteria provided, multiple submitters, no conflicts (2 of 4 stars). 2 submissions from 2 submitters: Uncertain significance (2). Last evaluated 2023-06-06.

Conditions:
Exercise-induced hyperinsulinism (HHF7). Identifiers: Orphanet 165991, MedGen C1864902, MONDO:0012396, OMIM 610021.

gnomAD v4.1: 1 of 1,614,160 alleles (0.000062%); highest among the groups gnomAD compares: Non-Finnish European, 0.000085%; no homozygotes.

Submissions (2):

Labcorp Genetics (formerly Invitae), Labcorp
Classification: Uncertain significance. Last evaluated: 2023-06-06. Review status: criteria provided, single submitter. Criteria: Invitae Variant Classification Sherloc (09022015). Collection method: clinical testing. Allele origin: germline.
Comment: ClinVar contains an entry for this variant (Variation ID: 291860). In summary, the available evidence is currently insufficient to determine the role of this variant in disease. Therefore, it has been classified as a Variant of Uncertain Significance. An algorithm developed to predict the effect of missense changes on protein structure and function (PolyPhen-2) suggests that this variant is likely to be disruptive. This variant has not been reported in the literature in individuals affected with SLC16A1-related conditions. This variant is not present in population databases (gnomAD no frequency). This sequence change replaces arginine, which is basic and polar, with leucine, which is neutral and non-polar, at codon 328 of the SLC16A1 protein (p.Arg328Leu).

Illumina Laboratory Services, Illumina
Classification: Uncertain significance for Exercise-induced hyperinsulinism. Last evaluated: 2018-01-13. Review status: criteria provided, single submitter. Criteria: ICSL Variant Classification Criteria 13 December 2019. Collection method: clinical testing. Allele origin: germline.